The following is an entry in ClinVar:

ClinVar aggregate classification (germline): Uncertain significance (1 of 4 stars; one submission).

Allele frequency attached by ClinVar (database versions not stated): ExAC 0.00001; gnomAD exomes 0.00001.
gnomAD v4.1: 7 of 1,614,248 alleles (0.00043%); highest among the groups gnomAD compares: Non-Finnish European, 0.00059%; no homozygotes.

Submission:

Labcorp Genetics (formerly Invitae), Labcorp
Classification: Uncertain significance. Last evaluated: 2023-05-23. Review status: criteria provided, single submitter. Criteria: Invitae Variant Classification Sherloc (09022015). Collection method: clinical testing. Allele origin: germline.
Comment: Advanced modeling of protein sequence and biophysical properties (such as structural, functional, and spatial information, amino acid conservation, physicochemical variation, residue mobility, and thermodynamic stability) has been performed at Invitae for this missense variant, however the output from this modeling did not meet the statistical confidence thresholds required to predict the impact of this variant on ANKH protein function. This sequence change replaces leucine, which is neutral and non-polar, with serine, which is neutral and polar, at codon 293 of the ANKH protein (p.Leu293Ser). This variant is present in population databases (rs770705338, gnomAD 0.002%). This variant has not been reported in the literature in individuals affected with ANKH-related conditions. In summary, the available evidence is currently insufficient to determine the role of this variant in disease. Therefore, it has been classified as a Variant of Uncertain Significance.

NM_054027.6(ANKH):c.878T>C (p.Leu293Ser)

Gene: ANKH (ANKH inorganic pyrophosphate transport regulator; minus strand). Cytogenetic location: 5p15.2.
Variant type: single nucleotide variant.
Coding change: c.878T>C on transcript NM_054027.6 (MANE Select); coding-DNA position 878, T replaced by C.
Protein change: p.Leu293Ser; replaces leucine 293 with serine.
Molecular consequence: missense variant.
Genome position (GRCh38, 1-based): chr5:14,745,907, A>G on the plus strand (T>C on the coding strand, the complement: ANKH is on the minus strand). VCF-style: chr5-14745907-A-G. GRCh37 (hg19) VCF-style: chr5-14746016-A-G.
Other names: short protein forms L293S.
Identifiers: ClinVar variation 2833739 (VCV002833739.3), dbSNP rs770705338, ClinGen allele CA3209002.